The following is an entry in ClinVar:

ClinVar aggregate classification (germline): Uncertain significance. Review status: criteria provided, multiple submitters, no conflicts (2 of 4 stars). 2 submissions from 2 submitters: Uncertain significance (2). Last evaluated 2025-10-22.

Conditions:
Inborn genetic diseases. Identifiers: MedGen C0950123, MeSH D030342.

Allele frequency attached by ClinVar (database versions not stated): TOPMed 0.00001; gnomAD exomes 0.00002; ExAC 0.00002.
gnomAD v4.1: 32 of 1,614,062 alleles (0.002%); highest among the groups gnomAD compares: Non-Finnish European, 0.0025%; no homozygotes.

Submissions (2):

Ambry Genetics
Classification: Uncertain significance for Inborn genetic diseases. Last evaluated: 2025-10-22. Review status: criteria provided, single submitter. Criteria: Ambry Variant Classification Scheme 2023. Collection method: clinical testing. Allele origin: germline.

Labcorp Genetics (formerly Invitae), Labcorp
Classification: Uncertain significance. Last evaluated: 2022-10-05. Review status: criteria provided, single submitter. Criteria: Invitae Variant Classification Sherloc (09022015). Collection method: clinical testing. Allele origin: germline.
Comment: This sequence change replaces glycine, which is neutral and non-polar, with serine, which is neutral and polar, at codon 563 of the MYO5B protein (p.Gly563Ser). This variant is present in population databases (rs762362651, gnomAD 0.01%). This variant has not been reported in the literature in individuals affected with MYO5B-related conditions. ClinVar contains an entry for this variant (Variation ID: 1479944). Advanced modeling of protein sequence and biophysical properties (such as structural, functional, and spatial information, amino acid conservation, physicochemical variation, residue mobility, and thermodynamic stability) performed at Invitae indicates that this missense variant is expected to disrupt MYO5B protein function. Algorithms developed to predict the effect of sequence changes on RNA splicing suggest that this variant may create or strengthen a splice site. In summary, the available evidence is currently insufficient to determine the role of this variant in disease. Therefore, it has been classified as a Variant of Uncertain Significance.

NM_001080467.3(MYO5B):c.1687G>A (p.Gly563Ser)

Gene: MYO5B (myosin VB; minus strand). Cytogenetic location: 18q21.1.
Variant type: single nucleotide variant.
Coding change: c.1687G>A on transcript NM_001080467.3 (MANE Select); coding-DNA position 1687, G replaced by A.
Protein change: p.Gly563Ser; replaces glycine 563 with serine.
Molecular consequence: missense variant.
Genome position (GRCh38, 1-based): chr18:49,953,325, C>T on the plus strand (G>A on the coding strand, the complement: MYO5B is on the minus strand). VCF-style: chr18-49953325-C-T. GRCh37 (hg19) VCF-style: chr18-47479695-C-T.
Other names: c.1687G>A (NM_001080467.2); short protein forms G563S.
Identifiers: ClinVar variation 1479944 (VCV001479944.6), dbSNP rs762362651, ClinGen allele CA8961415.